The following is an entry in ClinVar:

ClinVar aggregate classification (germline): Uncertain significance. Review status: criteria provided, multiple submitters, no conflicts (2 of 4 stars). 2 submissions from 2 submitters: Uncertain significance (2). Last evaluated 2026-07-19.

Conditions:
Familial thoracic aortic aneurysm and aortic dissection (TAAD). Also called: Thoracic aortic aneurysms and dissections. Identifiers: Orphanet 91387, MedGen C4707243, MONDO:0019625.
Adams-Oliver syndrome 5 (AOS5). Identifiers: Orphanet 974, MedGen C4014970, MONDO:0014459, OMIM 616028.

Submissions (2):

Ambry Genetics
Classification: Uncertain significance for Familial thoracic aortic aneurysm and aortic dissection. Last evaluated: 2026-07-19. Review status: criteria provided, single submitter. Criteria: Ambry Variant Classification Scheme 2023. Collection method: clinical testing. Allele origin: germline.
Comment: The p.C1040W variant (also known as c.3120C>G), located in coding exon 19 of the NOTCH1 gene, results from a C to G substitution at nucleotide position 3120. The cysteine at codon 1040 is replaced by tryptophan, an amino acid with highly dissimilar properties. This amino acid position is conserved. In addition, the in silico prediction for this alteration is inconclusive. Based on the available evidence, the clinical significance of this variant remains unclear.

Labcorp Genetics (formerly Invitae), Labcorp
Classification: Uncertain significance for Adams-Oliver syndrome 5. Last evaluated: 2024-08-10. Review status: criteria provided, single submitter. Criteria: Invitae Variant Classification Sherloc (09022015). Collection method: clinical testing. Allele origin: germline.
Comment: This sequence change replaces cysteine, which is neutral and slightly polar, with tryptophan, which is neutral and slightly polar, at codon 1040 of the NOTCH1 protein (p.Cys1040Trp). This variant is not present in population databases (gnomAD no frequency). This variant has not been reported in the literature in individuals affected with NOTCH1-related conditions. Advanced modeling of protein sequence and biophysical properties (such as structural, functional, and spatial information, amino acid conservation, physicochemical variation, residue mobility, and thermodynamic stability) performed at Invitae indicates that this missense variant is not expected to disrupt NOTCH1 protein function with a negative predictive value of 80%. In summary, the available evidence is currently insufficient to determine the role of this variant in disease. Therefore, it has been classified as a Variant of Uncertain Significance.

NM_017617.5(NOTCH1):c.3120C>G (p.Cys1040Trp)

Gene: NOTCH1 (notch receptor 1; minus strand). Cytogenetic location: 9q34.3.
Variant type: single nucleotide variant.
Coding change: c.3120C>G on transcript NM_017617.5 (MANE Select); coding-DNA position 3120, C replaced by G.
Protein change: p.Cys1040Trp; replaces cysteine 1040 with tryptophan.
Molecular consequence: missense variant.
Genome position (GRCh38, 1-based): chr9:136,508,921, G>C on the plus strand (C>G on the coding strand, the complement: NOTCH1 is on the minus strand). VCF-style: chr9-136508921-G-C. GRCh37 (hg19) VCF-style: chr9-139403373-G-C.
Other names: c.3120C>G (NM_017617.3); short protein forms C1040W.
Identifiers: ClinVar variation 3716441 (VCV003716441.3).